The following is an entry in ClinVar:

ClinVar aggregate classification (germline): Likely pathogenic (1 of 4 stars; one submission).

Conditions:
Cataract 22 multiple types. Also called: CATARACT 22, NUCLEAR, AUTOSOMAL RECESSIVE; CATARACT 22, MULTIPLE TYPES, AUTOSOMAL DOMINANT; Cataract 22. Identifiers: Orphanet 91492, MedGen C1857853, MONDO:0012336, OMIM 609741.

Submission:

Institute of Human Genetics, University of Leipzig Medical Center
Classification: Likely pathogenic for Cataract 22 multiple types. Last evaluated: 2025-01-17. Review status: criteria provided, single submitter. Criteria: ACMG Guidelines, 2015. Collection method: clinical testing. Allele origin: de novo. Inheritance: Autosomal dominant inheritance. Affected: yes.
Comment: Criteria applied: PS1, PS2_SUP, PM2, PM5_SUP, PP3

NM_004076.5(CRYBB3):c.466G>C (p.Gly156Arg)

Gene: CRYBB3 (crystallin beta B3; plus strand). Cytogenetic location: 22q11.23.
Variant type: single nucleotide variant.
Coding change: c.466G>C on transcript NM_004076.5 (MANE Select); coding-DNA position 466, G replaced by C.
Protein change: p.Gly156Arg; replaces glycine 156 with arginine.
Molecular consequence: missense variant.
Genome position (GRCh38, 1-based): chr22:25,205,358, G>C. VCF-style: chr22-25205358-G-C. GRCh37 (hg19) VCF-style: chr22-25601325-G-C.
Other names: short protein forms G156R.
Identifiers: ClinVar variation 3901180 (VCV003901180.1).